The following is an entry in ClinVar:

NM_001128840.3(CACNA1D):c.1449C>T (p.Gly483=)

Gene: CACNA1D (calcium voltage-gated channel subunit alpha1 D; plus strand). Cytogenetic location: 3p21.1.
Variant type: single nucleotide variant.
Coding change: c.1449C>T on transcript NM_001128840.3 (MANE Select); coding-DNA position 1449, C replaced by T.
Protein change: p.Gly483=; no amino-acid change (glycine 483 retained).
Molecular consequence: synonymous variant.
Genome position (GRCh38, 1-based): chr3:53,718,359, C>T. VCF-style: chr3-53718359-C-T. GRCh37 (hg19) VCF-style: chr3-53752386-C-T.
Other names: c.1449C>T, p.Gly483= (NM_000720.4, NM_001128839.3).
Identifiers: ClinVar variation 4697597 (VCV004697597.1).

ClinVar aggregate classification (germline): Uncertain significance (1 of 4 stars; one submission).

gnomAD v4.1: 7 of 1,614,106 alleles (0.00043%); highest among the groups gnomAD compares: East Asian, 0.0045%; no homozygotes.

Submission:

Labcorp Genetics (formerly Invitae), Labcorp
Classification: Uncertain significance. Last evaluated: 2025-11-02. Review status: criteria provided, single submitter. Criteria: Invitae Variant Classification Sherloc (09022015). Collection method: clinical testing. Allele origin: germline.
Comment: This sequence change affects codon 483 of the CACNA1D mRNA. It is a 'silent' change, meaning that it does not change the encoded amino acid sequence of the CACNA1D protein. This variant is not present in population databases (gnomAD no frequency). This variant has not been reported in the literature in individuals affected with CACNA1D-related conditions. Algorithms developed to predict the effect of sequence changes on RNA splicing suggest that this variant may create or strengthen a splice site. In summary, the available evidence is currently insufficient to determine the role of this variant in disease. Therefore, it has been classified as a Variant of Uncertain Significance.